The following is an entry in ClinVar:

ClinVar aggregate classification (germline): Uncertain significance (1 of 4 stars; one submission).

Conditions:
Cardiomyopathy (CMYO). Also called: Cardiomyopathies. Identifiers: Orphanet 167848, MedGen C0878544, MONDO:0004994, HP:0001638. Inheritance: Various modes of inheritance.

Submission:

Color Diagnostics, LLC DBA Color Health
Classification: Uncertain significance for Cardiomyopathy. Last evaluated: 2024-03-07. Review status: criteria provided, single submitter. Criteria: ACMG Guidelines, 2015. Collection method: clinical testing. Allele origin: germline.
Comment: This missense variant replaces lysine with arginine at codon 890 of the DSC2 protein. Computational prediction suggests that this variant may not impact protein structure and function (internally defined REVEL score threshold <= 0.5, PMID: 27666373). To our knowledge, functional studies have not been reported for this variant. This variant has not been reported in individuals affected with cardiovascular disorders in the literature. This variant has not been identified in the general population by the Genome Aggregation Database (gnomAD). The available evidence is insufficient to determine the role of this variant in disease conclusively. Therefore, this variant is classified as a Variant of Uncertain Significance.

NM_024422.6(DSC2):c.2669A>G (p.Lys890Arg)

Gene: DSC2 (desmocollin 2; minus strand). Cytogenetic location: 18q12.1.
Variant type: single nucleotide variant.
Coding change: c.2669A>G on transcript NM_024422.6 (MANE Select); coding-DNA position 2669, A replaced by G.
Protein change: p.Lys890Arg; replaces lysine 890 with arginine.
Molecular consequence: missense variant. On other transcripts: 3 prime UTR variant (1).
Genome position (GRCh38, 1-based): chr18:31,068,052, T>C on the plus strand (A>G on the coding strand, the complement: DSC2 is on the minus strand). VCF-style: chr18-31068052-T-C. GRCh37 (hg19) VCF-style: chr18-28648018-T-C.
Other names: c.*171A>G (NM_004949.5); short protein forms K890R.
Identifiers: ClinVar variation 1171567 (VCV001171567.3), dbSNP rs2144780681, ClinGen allele CA402110092.
Genomic context (GRCh38, chr18:31,068,052, plus strand): 5'-TTCAGAGACTTATTAGAACACACTCATCTCTTCATGCATGCTTCTGCTAGTGTCCTAAAT[T>C]TGGGCTCCAAATTATCCAAAAATTCAAGCCCATCTTCTTCTTGTCGTTCACTGCAACAAC-3'
Protein context (NP_077740.1, residues 880-900): GLEFLDNLEP[Lys890Arg]FRTLAEACMK